The following is an entry in ClinVar:

ClinVar aggregate classification (germline): Uncertain significance (1 of 4 stars; one submission).

Submission:

Labcorp Genetics (formerly Invitae), Labcorp
Classification: Uncertain significance. Last evaluated: 2024-08-30. Review status: criteria provided, single submitter. Criteria: Invitae Variant Classification Sherloc (09022015). Collection method: clinical testing. Allele origin: germline.
Comment: This sequence change replaces histidine, which is basic and polar, with tyrosine, which is neutral and polar, at codon 1396 of the KAT6A protein (p.His1396Tyr). This variant is not present in population databases (gnomAD no frequency). This variant has not been reported in the literature in individuals affected with KAT6A-related conditions. Invitae Evidence Modeling of protein sequence and biophysical properties (such as structural, functional, and spatial information, amino acid conservation, physicochemical variation, residue mobility, and thermodynamic stability) indicates that this missense variant is not expected to disrupt KAT6A protein function with a negative predictive value of 80%. In summary, the available evidence is currently insufficient to determine the role of this variant in disease. Therefore, it has been classified as a Variant of Uncertain Significance.

NM_006766.5(KAT6A):c.4186C>T (p.His1396Tyr)

Gene: KAT6A (lysine acetyltransferase 6A; minus strand). Cytogenetic location: 8p11.21.
Variant type: single nucleotide variant.
Coding change: c.4186C>T on transcript NM_006766.5 (MANE Select); coding-DNA position 4186, C replaced by T.
Protein change: p.His1396Tyr; replaces histidine 1396 with tyrosine.
Molecular consequence: missense variant.
Genome position (GRCh38, 1-based): chr8:41,934,034, G>A on the plus strand (C>T on the coding strand, the complement: KAT6A is on the minus strand). VCF-style: chr8-41934034-G-A. GRCh37 (hg19) VCF-style: chr8-41791552-G-A.
Other names: short protein forms H1396Y.
Identifiers: ClinVar variation 2858304 (VCV002858304.3), dbSNP rs2486755784, ClinGen allele CA371066699.